The following is an entry in ClinVar:

ClinVar aggregate classification (germline): Likely pathogenic (1 of 4 stars; one submission).

Conditions:
Nemaline myopathy 2 (NEM2). Also called: Nemaline myopathy 2, autosomal recessive. Identifiers: MedGen C1850569, MONDO:0009725, OMIM 256030.

gnomAD v4.1: 1 of 140,284 alleles (0.00071%); highest among the groups gnomAD compares: South Asian, 0.0091%; no homozygotes.

Submission:

Natera, Inc.
Classification: Likely pathogenic for Nemaline myopathy type 2. Last evaluated: 2024-05-03. Review status: criteria provided, single submitter. Criteria: Natera Variant Classification Schema (03/2026). Collection method: clinical testing. Allele origin: germline.
Comment: The c.12418C>T variant in NEB is a nonsense variant predicted to introduce a stop codon at amino acid 4140. This variant is expected to result in nonsense mediated decay, truncation, or a dysfunctional protein product. This variant is rare in the general population with a frequency below the threshold expected for the associated phenotype(s). Given the available evidence, this variant is classified as Likely Pathogenic.

NM_001164508.2(NEB):c.12418C>T (p.Gln4140Ter)

Gene: NEB (nebulin; minus strand). Cytogenetic location: 2q23.3.
Variant type: single nucleotide variant.
Coding change: c.12418C>T on transcript NM_001164508.2 (MANE Select); coding-DNA position 12418, C replaced by T.
Protein change: p.Gln4140Ter; replaces glutamine 4140 with a stop codon.
Molecular consequence: nonsense. On other transcripts: intron variant (1).
Genome position (GRCh38, 1-based): chr2:151,608,589, G>A on the plus strand (C>T on the coding strand, the complement: NEB is on the minus strand). VCF-style: chr2-151608589-G-A. GRCh37 (hg19) VCF-style: chr2-152465103-G-A.
Other names: c.12418C>T, p.Gln4140Ter (NM_001164507.2, NM_001271208.2); c.11601+1220C>T (NM_004543.5); short protein forms Q4140*.
Identifiers: ClinVar variation 4814712 (VCV004814712.1).
Genomic context (GRCh38, chr2:151,608,589, plus strand): 5'-TGCTGGTGAATGACAAAGCTTCTGGACGTGTCCTATAGAGTCTTTCATTCACGAGGTCTT[G>A]AGCAACCTTCACTCTGTTCATTTCCACTGAGCCTTCTGGCATCCAGCCGATGCCACGCAG-3'